The following is an entry in ClinVar:

NM_000059.4(BRCA2):c.609C>T (p.Thr203=)

Gene: BRCA2 (BRCA2 DNA repair associated; plus strand). Cytogenetic location: 13q13.1.
Variant type: single nucleotide variant.
Coding change: c.609C>T on transcript NM_000059.4 (MANE Select); coding-DNA position 609, C replaced by T.
Protein change: p.Thr203=; no amino-acid change (threonine 203 retained).
Molecular consequence: synonymous variant.
Genome position (GRCh38, 1-based): chr13:32,326,591, C>T. VCF-style: chr13-32326591-C-T. GRCh37 (hg19) VCF-style: chr13-32900728-C-T.
Identifiers: ClinVar variation 377576 (VCV000377576.19), dbSNP rs1057520247, ClinGen allele CA16606770.

ClinVar aggregate classification (germline): Likely benign. Review status: criteria provided, multiple submitters, no conflicts (2 of 4 stars). 5 submissions from 5 submitters: Likely benign (5). Last evaluated 2025-04-27.

Conditions:
Hereditary cancer-predisposing syndrome. Also called: Hereditary neoplastic syndrome; Tumor predisposition; Neoplastic Syndromes, Hereditary; Hereditary Cancer Syndrome. Identifiers: Orphanet 140162, MedGen C0027672, MeSH D009386, MONDO:0015356.
Hereditary breast ovarian cancer syndrome. Also called: Breast and ovarian cancer; Hereditary breast and ovarian cancer syndrome; Hereditary breast and ovarian cancer; Hereditary breast and/or ovarian cancer syndrome; Hereditary breast and ovarian cancer syndrome (HBOC); BRCA1- and BRCA2-Associated Hereditary Breast and Ovarian Cancer. Identifiers: Orphanet 145, MedGen C0677776, MeSH D061325, MONDO:0003582. Disease mechanism: loss of function.
Breast-ovarian cancer, familial, susceptibility to, 2 (BROVCA2). Also called: BRCA2 Hereditary Breast and Ovarian Cancer. Identifiers: Orphanet 145, MedGen C2675520, MONDO:0012933, OMIM 612555. Disease mechanism: loss of function.

Allele frequency attached by ClinVar (database versions not stated): gnomAD 0.00001; gnomAD exomes 0.00001; TOPMed 0.00001.
gnomAD v4.1: 20 of 1,608,670 alleles (0.0012%); highest among the groups gnomAD compares: Non-Finnish European, 0.0017%; no homozygotes.

Submissions (5):

Labcorp Genetics (formerly Invitae), Labcorp
Classification: Likely benign for Hereditary breast ovarian cancer syndrome. Last evaluated: 2025-04-27. Review status: criteria provided, single submitter. Criteria: Invitae Variant Classification Sherloc (09022015). Collection method: clinical testing. Allele origin: germline.

All of Us Research Program, National Institutes of Health
Classification: Likely benign for Breast-ovarian cancer, familial, susceptibility to, 2. Last evaluated: 2023-11-20. Review status: criteria provided, single submitter. Criteria: ACMG Guidelines, 2015. Collection method: clinical testing. Allele origin: germline. Inheritance: Autosomal dominant inheritance. Observed: 1 variant allele, 1 heterozygote.
Comment: This study involves interpretation of variants in research participants for the purpose of population health screening. Participant phenotype was not available at the time of variant classification. Additional details can be found in publication PMID: 35346344, PMCID: PMC8962531

Ambry Genetics
Classification: Likely benign for Hereditary cancer-predisposing syndrome. Last evaluated: 2017-11-28. Review status: criteria provided, single submitter. Criteria: Ambry Variant Classification Scheme 2023. Collection method: clinical testing. Allele origin: germline.

GeneDx
Classification: Likely benign. Last evaluated: 2017-06-01. Review status: criteria provided, single submitter. Criteria: GeneDx Variant Classification (06012015). Collection method: clinical testing. Allele origin: germline. Affected: yes.
Comment: This variant is considered likely benign or benign based on one or more of the following criteria: it is a conservative change, it occurs at a poorly conserved position in the protein, it is predicted to be benign by multiple in silico algorithms, and/or has population frequency not consistent with disease.

Color Diagnostics, LLC DBA Color Health
Classification: Likely benign for Hereditary cancer-predisposing syndrome. Last evaluated: 2016-11-15. Review status: criteria provided, single submitter. Criteria: ACMG Guidelines, 2015. Collection method: clinical testing. Allele origin: germline.